The following is an entry in ClinVar:

ClinVar aggregate classification (germline): Likely benign. Review status: criteria provided, multiple submitters, no conflicts (2 of 4 stars). 4 submissions from 4 submitters: Likely benign (4). Last evaluated 2026-01-19.

Conditions:
Leber congenital amaurosis 3 (LCA3). Also called: SPATA7-Related Retinitis Pigmentosa. Identifiers: MedGen C1858677, MONDO:0011415, OMIM 604232.
SPATA7-related disorder. Also called: SPATA7-related condition; SPATA7-related disorders. Identifiers: MedGen CN239422.

Allele frequency attached by ClinVar (database versions not stated): ExAC 0.00031; 1000 Genomes Project 0.00060; TOPMed 0.00076; 1000 Genomes Project 30x 0.00078; gnomAD 0.00078 and 0.00087; ESP Exome Variant Server 0.00100.
gnomAD v4.1: 223 of 1,614,172 alleles (0.014%); highest among the groups gnomAD compares: African/African-American, 0.25%; no homozygotes.

Submissions (4):

Labcorp Genetics (formerly Invitae), Labcorp
Classification: Likely benign for Leber congenital amaurosis 3. Last evaluated: 2026-01-19. Review status: criteria provided, single submitter. Criteria: Invitae Variant Classification Sherloc (09022015). Collection method: clinical testing. Allele origin: germline.

PreventionGenetics, part of Exact Sciences
Classification: Likely benign for SPATA7-related condition. Last evaluated: 2024-10-10. Review status: criteria provided, single submitter. Criteria: ACMG Guidelines, 2015. Collection method: clinical testing. Allele origin: germline.
Comment: This variant is classified as likely benign based on ACMG/AMP sequence variant interpretation guidelines (Richards et al. 2015 PMID: 25741868, with internal and published modifications).

Blueprint Genetics
Classification: Likely benign. Last evaluated: 2023-12-27. Review status: criteria provided, single submitter. Criteria: ACMG Guidelines, 2015. Collection method: clinical testing. Allele origin: germline.

Breakthrough Genomics
Classification: Likely benign. Review status: criteria provided, single submitter. Criteria: ACMG Guidelines, 2015. Collection method: not provided. Allele origin: germline. Inheritance: Autosomal recessive inheritance. Affected: yes.

NM_018418.5(SPATA7):c.653C>T (p.Ser218Leu)

Gene: SPATA7 (spermatogenesis associated 7; plus strand). Cytogenetic location: 14q31.3.
Variant type: single nucleotide variant.
Coding change: c.653C>T on transcript NM_018418.5 (MANE Select); coding-DNA position 653, C replaced by T.
Protein change: p.Ser218Leu; replaces serine 218 with leucine.
Molecular consequence: missense variant.
Genome position (GRCh38, 1-based): chr14:88,426,512, C>T. VCF-style: chr14-88426512-C-T. GRCh37 (hg19) VCF-style: chr14-88892856-C-T.
Other names: c.557C>T, p.Ser186Leu (NM_001040428.4); short protein forms S186L, S218L.
Identifiers: ClinVar variation 771793 (VCV000771793.14), dbSNP rs74072095, ClinGen allele CA7298569.